The following is an entry in ClinVar:

ClinVar aggregate classification (germline): Uncertain significance (1 of 4 stars; one submission).

Conditions:
Immunodeficiency due to CD25 deficiency. Also called: IMMUNODEFICIENCY 41 WITH LYMPHOPROLIFERATION AND AUTOIMMUNITY; IL2RA DEFICIENCY; CD25 DEFICIENCY. Identifiers: Orphanet 169100, MedGen C1853392, MONDO:0011664, OMIM 606367.

Allele frequency attached by ClinVar (database versions not stated): TOPMed 0.00002; gnomAD 0.00003; gnomAD exomes 0.00004 and 0.00006; ExAC 0.00007.
gnomAD v4.1: 63 of 1,613,384 alleles (0.0039%); highest among the groups gnomAD compares: Non-Finnish European, 0.0044%; no homozygotes.

Submission:

Labcorp Genetics (formerly Invitae), Labcorp
Classification: Uncertain significance for Immunodeficiency due to CD25 deficiency. Last evaluated: 2024-12-16. Review status: criteria provided, single submitter. Criteria: Invitae Variant Classification Sherloc (09022015). Collection method: clinical testing. Allele origin: germline.
Comment: This sequence change replaces alanine, which is neutral and non-polar, with valine, which is neutral and non-polar, at codon 228 of the IL2RA protein (p.Ala228Val). This variant is present in population databases (rs767085799, gnomAD 0.02%). This variant has not been reported in the literature in individuals affected with IL2RA-related conditions. ClinVar contains an entry for this variant (Variation ID: 847195). Invitae Evidence Modeling of protein sequence and biophysical properties (such as structural, functional, and spatial information, amino acid conservation, physicochemical variation, residue mobility, and thermodynamic stability) indicates that this missense variant is not expected to disrupt IL2RA protein function with a negative predictive value of 80%. In summary, the available evidence is currently insufficient to determine the role of this variant in disease. Therefore, it has been classified as a Variant of Uncertain Significance.

NM_000417.3(IL2RA):c.683C>T (p.Ala228Val)

Gene: IL2RA (interleukin 2 receptor subunit alpha; minus strand). Cytogenetic location: 10p15.1.
Variant type: single nucleotide variant.
Coding change: c.683C>T on transcript NM_000417.3 (MANE Select); coding-DNA position 683, C replaced by T.
Protein change: p.Ala228Val; replaces alanine 228 with valine.
Molecular consequence: missense variant.
Genome position (GRCh38, 1-based): chr10:6,019,472, G>A on the plus strand (C>T on the coding strand, the complement: IL2RA is on the minus strand). VCF-style: chr10-6019472-G-A. GRCh37 (hg19) VCF-style: chr10-6061435-G-A.
Other names: c.467C>T, p.Ala156Val (NM_001308242.2); c.395C>T, p.Ala132Val (NM_001308243.2); short protein forms A132V, A228V, A156V.
Identifiers: ClinVar variation 847195 (VCV000847195.8), dbSNP rs767085799, ClinGen allele CA5397350.
Genomic context (GRCh38, chr10:6,019,472, plus strand): 5'-CCAGTGCCCCACTCACCTGCTACCTGGTACTCTGTTGTAAATATGGACGTCTCCATGGTT[G>A]CAGCCATTTCTGTCTGTATTTGAAAATCTGTGAAAAAGAGATAAAGAGAGACACTCCTGC-3'
Protein context (NP_000408.1, residues 218-238): TDFQIQTEMA[Ala228Val]TMETSIFTTE